The following is an entry in ClinVar:

NM_020925.4(CACHD1):c.3222C>T (p.Tyr1074=)

Gene: CACHD1 (cache domain containing 1; plus strand). Cytogenetic location: 1p31.3.
Variant type: single nucleotide variant.
Coding change: c.3222C>T on transcript NM_020925.4 (MANE Select); coding-DNA position 3222, C replaced by T.
Protein change: p.Tyr1074=; no amino-acid change (tyrosine 1074 retained).
Molecular consequence: synonymous variant.
Genome position (GRCh38, 1-based): chr1:64,678,288, C>T. VCF-style: chr1-64678288-C-T. GRCh37 (hg19) VCF-style: chr1-65143971-C-T.
Other names: c.2334C>T, p.Tyr778= (NM_001293274.2).
Identifiers: ClinVar variation 5039434 (VCV005039434.1).
Genomic context (GRCh38, chr1:64,678,288, plus strand): 5'-ACCCTACTGTGCCCCCCAGAAAGAATGCTTCGGGGGGATTGTGGGAGCCAAAAGTCCCTA[C>T]GTTGATGACATGGGAGCAATAGGTATGTTTGTTAGATGCCCCAACAATTTGATTCTTGAA-3'
Protein context (NP_065976.3, residues 1064-1084): FGGIVGAKSP[Tyr1074=]VDDMGAIGDE

ClinVar aggregate classification (germline): Likely benign (1 of 4 stars; one submission).

gnomAD v4.1: 56 of 1,587,360 alleles (0.0035%); highest among the groups gnomAD compares: Admixed American, 0.027%; no homozygotes.

Submission:

CeGaT Center for Human Genetics Tuebingen
Classification: Likely benign. Last evaluated: 2026-08-01. Review status: criteria provided, single submitter. Criteria: CeGaT Center For Human Genetics Tuebingen Variant Classification Criteria Version 2. Collection method: clinical testing. Allele origin: germline. Affected: yes. Observed: 1 variant allele.
Comment: CACHD1: BP4, BP7